The following is an entry in ClinVar:

ClinVar aggregate classification (germline): Uncertain significance (1 of 4 stars; one submission).

Conditions:
Cortical dysplasia, complex, with other brain malformations 13. Also called: Intellectual disability, autosomal dominant 13. Identifiers: MedGen C3281202, MONDO:0013805, OMIM 614563.

Submission:

Dasa
Classification: Uncertain significance for Cortical dysplasia, complex, with other brain malformations 13. Last evaluated: 2025-10-26. Review status: criteria provided, single submitter. Criteria: DASA Assertion Criteria. Collection method: clinical testing. Allele origin: germline.
Comment: NM_001376.5(DYNC1H1):c.3884A>G (p.Glu1295Gly) is a missense variant that results in the substitution of glutamic acid with glycine. This variant is absent from population databases. The currently available literature and clinical evidence are not sufficient to establish a definitive association between this variant and the reported condition. Therefore, this variant is classified as a variant of uncertain significance.

NM_001376.5(DYNC1H1):c.3884A>G (p.Glu1295Gly)

Gene: DYNC1H1 (dynein cytoplasmic 1 heavy chain 1; plus strand). Cytogenetic location: 14q32.31.
Variant type: single nucleotide variant.
Coding change: c.3884A>G on transcript NM_001376.5 (MANE Select); coding-DNA position 3884, A replaced by G.
Protein change: p.Glu1295Gly; replaces glutamic acid 1295 with glycine.
Molecular consequence: missense variant.
Genome position (GRCh38, 1-based): chr14:102,000,068, A>G. VCF-style: chr14-102000068-A-G. GRCh37 (hg19) VCF-style: chr14-102466405-A-G.
Other names: short protein forms E1295G.
Identifiers: ClinVar variation 4882999 (VCV004882999.2).